The following is an entry in ClinVar:

NM_005765.3(ATP6AP2):c.739-5T>G

Gene: ATP6AP2 (ATPase H+ transporting accessory protein 2; plus strand). Cytogenetic location: Xp11.4.
Variant type: single nucleotide variant.
Coding change: c.739-5T>G on transcript NM_005765.3 (MANE Select); 5 bases into the intron before coding-DNA position 739, T replaced by G.
Molecular consequence: intron variant.
Genome position (GRCh38, 1-based): chrX:40,600,757, T>G. VCF-style: chrX-40600757-T-G. GRCh37 (hg19) VCF-style: chrX-40460009-T-G.
Identifiers: ClinVar variation 3234620 (VCV003234620.20), dbSNP rs1040292551, ClinGen allele CA328989576.
Genomic context (GRCh38, chrX:40,600,757, plus strand): 5'-TGTTAATTAAAAATGAAAAAAGTACATAGTTGAGATTCCCAATAATGTTAATAACTAACT[T>G]TCAGTTTGCAGATGACATGTACAGTCTTTATGGTGGGAATGCAGTGGTAGAGTTAGTCAC-3'

ClinVar aggregate classification (germline): Likely benign (1 of 4 stars; one submission).

Allele frequency attached by ClinVar (database versions not stated): gnomAD exomes below 0.00001; gnomAD 0.00001.
gnomAD v4.1: 2 of 1,200,135 alleles (0.00017%); highest among the groups gnomAD compares: Non-Finnish European, 0.00022%; no homozygotes.

Submission:

CeGaT Center for Human Genetics Tuebingen
Classification: Likely benign. Last evaluated: 2024-04-01. Review status: criteria provided, single submitter. Criteria: CeGaT Center For Human Genetics Tuebingen Variant Classification Criteria Version 2. Collection method: clinical testing. Allele origin: germline. Affected: yes. Observed: 1 variant allele.
Comment: ATP6AP2: BP4